The following is an entry in ClinVar:

ClinVar aggregate classification (germline): Likely benign. Review status: criteria provided, multiple submitters, no conflicts (2 of 4 stars). 3 submissions from 3 submitters: Likely benign (3). Last evaluated 2023-08-17.

Conditions:
Catecholaminergic polymorphic ventricular tachycardia (CVPT). Also called: Catecholamine-induced polymorphic ventricular tachycardia. Identifiers: Orphanet 3286, MedGen C5574922, MONDO:0017990.
Cardiomyopathy (CMYO). Also called: Cardiomyopathies. Identifiers: Orphanet 167848, MedGen C0878544, MONDO:0004994, HP:0001638. Inheritance: Various modes of inheritance.
Catecholaminergic polymorphic ventricular tachycardia 1. Also called: VENTRICULAR TACHYCARDIA, CATECHOLAMINERGIC POLYMORPHIC, 1, WITH OR WITHOUT ATRIAL DYSFUNCTION AND/OR DILATED CARDIOMYOPATHY; VENTRICULAR TACHYCARDIA, STRESS-INDUCED POLYMORPHIC 1; RYR2-Related Catecholaminergic Polymorphic Ventricular Tachycardia. Identifiers: Orphanet 3286, MedGen C1631597, MONDO:0011484, OMIM 604772.

Allele frequency attached by ClinVar (database versions not stated): gnomAD exomes below 0.00001; ExAC 0.00001.
gnomAD v4.1: 5 of 1,586,908 alleles (0.00032%); highest among the groups gnomAD compares: Non-Finnish European, 0.00035%; no homozygotes.

Submissions (3):

Labcorp Genetics (formerly Invitae), Labcorp
Classification: Likely benign for Catecholaminergic polymorphic ventricular tachycardia 1. Last evaluated: 2023-08-17. Review status: criteria provided, single submitter. Criteria: Invitae Variant Classification Sherloc (09022015). Collection method: clinical testing. Allele origin: germline.

All of Us Research Program, National Institutes of Health
Classification: Likely benign for Catecholaminergic polymorphic ventricular tachycardia. Last evaluated: 2023-04-03. Review status: criteria provided, single submitter. Criteria: ACMG Guidelines, 2015. Collection method: clinical testing. Allele origin: germline. Inheritance: Autosomal dominant inheritance. Observed: 1 variant allele, 1 heterozygote.
Comment: This study involves interpretation of variants in research participants for the purpose of population health screening. Participant phenotype was not available at the time of variant classification. Additional details can be found in publication PMID: 35346344, PMCID: PMC8962531

Color Diagnostics, LLC DBA Color Health
Classification: Likely benign for Cardiomyopathy. Last evaluated: 2023-03-29. Review status: criteria provided, single submitter. Criteria: ACMG Guidelines, 2015. Collection method: clinical testing. Allele origin: germline.

NM_001035.3(RYR2):c.11661C>T (p.Asp3887=)

Gene: RYR2 (ryanodine receptor 2; plus strand). Cytogenetic location: 1q43.
Variant type: single nucleotide variant.
Coding change: c.11661C>T on transcript NM_001035.3 (MANE Select); coding-DNA position 11661, C replaced by T.
Protein change: p.Asp3887=; no amino-acid change (aspartic acid 3887 retained).
Molecular consequence: synonymous variant.
Genome position (GRCh38, 1-based): chr1:237,773,534, C>T. VCF-style: chr1-237773534-C-T. GRCh37 (hg19) VCF-style: chr1-237936834-C-T.
Identifiers: ClinVar variation 1621109 (VCV001621109.48), dbSNP rs759576710, ClinGen allele CA085025.
Genomic context (GRCh38, chr1:237,773,534, plus strand): 5'-TTTAGAATGTGACTTGATAATAAATAATATCATCTCTATTTCCCAGGAATCAATTAGTGA[C>T]TTTTATTGGTATTACTCTGGGAAAGATGTTATTGATGAACAAGGACAACGGAATTTCTCC-3'
Protein context (NP_001026.2, residues 3877-3897): YLLRVQESIS[Asp3887=]FYWYYSGKDV